The following is an entry in ClinVar:

ClinVar aggregate classification (germline): Uncertain significance. Review status: criteria provided, multiple submitters, no conflicts (2 of 4 stars). 2 submissions from 2 submitters: Uncertain significance (2). Last evaluated 2025-04-24.

Conditions:
Hepatic methionine adenosyltransferase deficiency. Also called: MAT I/III DEFICIENCY; Deficiency of methionine adenosyltransferase; Isolated Persistent Hypermethioninemia; Methionine adenosyltransferase deficiency. Identifiers: Orphanet 168598, MedGen C0268621, MeSH C564683, MONDO:0009607, OMIM 250850.

Allele frequency attached by ClinVar (database versions not stated): ExAC 0.00002; gnomAD exomes 0.00004; ESP Exome Variant Server 0.00008; TOPMed 0.00018.
gnomAD v4.1: 39 of 1,612,998 alleles (0.0024%); highest among the groups gnomAD compares: African/African-American, 0.047%; no homozygotes.

Submissions (2):

Labcorp Genetics (formerly Invitae), Labcorp
Classification: Uncertain significance for Hepatic methionine adenosyltransferase deficiency. Last evaluated: 2025-04-24. Review status: criteria provided, single submitter. Criteria: Invitae Variant Classification Sherloc (09022015). Collection method: clinical testing. Allele origin: germline.
Comment: This sequence change replaces alanine, which is neutral and non-polar, with threonine, which is neutral and polar, at codon 194 of the MAT1A protein (p.Ala194Thr). This variant is present in population databases (rs148687668, gnomAD 0.05%). This missense change has been observed in individual(s) with autosomal recessive hypermethioninemia (PMID: 36704196). ClinVar contains an entry for this variant (Variation ID: 998415). An algorithm developed to predict the effect of missense changes on protein structure and function (PolyPhen-2) suggests that this variant is likely to be tolerated. In summary, the available evidence is currently insufficient to determine the role of this variant in disease. Therefore, it has been classified as a Variant of Uncertain Significance.

Women's Health and Genetics/Laboratory Corporation of America, LabCorp
Classification: Uncertain significance. Last evaluated: 2024-04-04. Review status: criteria provided, single submitter. Criteria: LabCorp Variant Classification Summary - May 2015. Collection method: clinical testing. Allele origin: germline.
Comment: Variant summary: MAT1A c.580G>A (p.Ala194Thr) results in a non-conservative amino acid change located in the S-adenosylmethionine synthetase, central domain (IPR022629) of the encoded protein sequence. Three of five in-silico tools predict a benign effect of the variant on protein function. The variant allele was found at a frequency of 4e-05 in 250558 control chromosomes. This frequency does not allow conclusion about variant significance. c.580G>A has been reported in the literature in individuals affected with Hepatic methionine adenosyltransferase deficiency (Tong_2022). These data do not allow any conclusion about variant significance. To our knowledge, no experimental evidence demonstrating an impact on protein function has been reported. The following publication have been ascertained in the context of this evaluation (PMID: 36704196). ClinVar contains an entry for this variant (Variation ID: 998415). Based on the evidence outlined above, the variant was classified as uncertain significance.

Literature cited by the submitters: PubMed 36704196 (cited by Labcorp Genetics (formerly Invitae), Labcorp and Women's Health and Genetics/Laboratory Corporation of America, LabCorp).

NM_000429.3(MAT1A):c.580G>A (p.Ala194Thr)

Gene: MAT1A (methionine adenosyltransferase 1A; minus strand). Cytogenetic location: 10q22.3.
Variant type: single nucleotide variant.
Coding change: c.580G>A on transcript NM_000429.3 (MANE Select); coding-DNA position 580, G replaced by A.
Protein change: p.Ala194Thr; replaces alanine 194 with threonine.
Molecular consequence: missense variant.
Genome position (GRCh38, 1-based): chr10:80,276,564, C>T on the plus strand (G>A on the coding strand, the complement: MAT1A is on the minus strand). VCF-style: chr10-80276564-C-T. GRCh37 (hg19) VCF-style: chr10-82036320-C-T.
Other names: short protein forms A194T.
Identifiers: ClinVar variation 998415 (VCV000998415.10), dbSNP rs148687668, ClinGen allele CA5576754.